The following is an entry in ClinVar:

ClinVar aggregate classification (germline): Pathogenic (1 of 4 stars; one submission).

Conditions:
Inborn genetic diseases. Identifiers: MedGen C0950123, MeSH D030342.

Submission:

Ambry Genetics
Classification: Pathogenic for Inborn genetic diseases. Last evaluated: 2025-03-25. Review status: criteria provided, single submitter. Criteria: Ambry Variant Classification Scheme 2023. Collection method: clinical testing. Allele origin: germline.
Comment: The c.2452C>T (p.R818*) alteration, located in exon 15 (coding exon 14) of the PUM1 gene, consists of a C to T substitution at nucleotide position 2452. This changes the amino acid from an arginine (R) to a stop codon at amino acid position 818. This alteration is expected to result in loss of function by premature protein truncation or nonsense-mediated mRNA decay. This variant was not reported in population-based cohorts in the Genome Aggregation Database (gnomAD). Based on the available evidence, this alteration is classified as pathogenic.

NM_001020658.2(PUM1):c.2452C>T (p.Arg818Ter)

Gene: PUM1 (pumilio RNA binding family member 1; minus strand). Cytogenetic location: 1p35.2.
Variant type: single nucleotide variant.
Coding change: c.2452C>T on transcript NM_001020658.2 (MANE Select); coding-DNA position 2452, C replaced by T.
Protein change: p.Arg818Ter; replaces arginine 818 with a stop codon.
Molecular consequence: nonsense.
Genome position (GRCh38, 1-based): chr1:30,953,853, G>A on the plus strand (C>T on the coding strand, the complement: PUM1 is on the minus strand). VCF-style: chr1-30953853-G-A. GRCh37 (hg19) VCF-style: chr1-31426700-G-A.
Other names: c.2452C>T, p.Arg818Ter (NM_014676.3); short protein forms R818*.
Identifiers: ClinVar variation 3941069 (VCV003941069.1).